The following is an entry in ClinVar:

ClinVar aggregate classification (germline): Uncertain significance (1 of 4 stars; one submission).

Allele frequency attached by ClinVar (database versions not stated): ExAC 0.00001.

Submission:

Labcorp Genetics (formerly Invitae), Labcorp
Classification: Uncertain significance. Last evaluated: 2023-07-09. Review status: criteria provided, single submitter. Criteria: Invitae Variant Classification Sherloc (09022015). Collection method: clinical testing. Allele origin: germline.
Comment: In summary, the available evidence is currently insufficient to determine the role of this variant in disease. Therefore, it has been classified as a Variant of Uncertain Significance. Advanced modeling of protein sequence and biophysical properties (such as structural, functional, and spatial information, amino acid conservation, physicochemical variation, residue mobility, and thermodynamic stability) performed at Invitae indicates that this missense variant is expected to disrupt LEMD3 protein function. This variant has not been reported in the literature in individuals affected with LEMD3-related conditions. This variant is present in population databases (rs769735325, gnomAD 0.002%). This sequence change replaces tryptophan, which is neutral and slightly polar, with cysteine, which is neutral and slightly polar, at codon 765 of the LEMD3 protein (p.Trp765Cys).

NM_014319.5(LEMD3):c.2295G>T (p.Trp765Cys)

Gene: LEMD3 (LEM domain containing 3; plus strand). Cytogenetic location: 12q14.3.
Variant type: single nucleotide variant.
Coding change: c.2295G>T on transcript NM_014319.5 (MANE Select); coding-DNA position 2295, G replaced by T.
Protein change: p.Trp765Cys; replaces tryptophan 765 with cysteine.
Molecular consequence: missense variant.
Genome position (GRCh38, 1-based): chr12:65,241,077, G>T. VCF-style: chr12-65241077-G-T. GRCh37 (hg19) VCF-style: chr12-65634857-G-T.
Other names: c.2292G>T, p.Trp764Cys (NM_001167614.2); short protein forms W764C, W765C.
Identifiers: ClinVar variation 2739924 (VCV002739924.3), dbSNP rs769735325, ClinGen allele CA6671179.